The following is an entry in ClinVar:

ClinVar aggregate classification (germline): Uncertain significance (1 of 4 stars; one submission).

Allele frequency attached by ClinVar (database versions not stated): gnomAD exomes below 0.00001.
gnomAD v4.1: 2 of 1,611,804 alleles (0.00012%); highest among the groups gnomAD compares: Non-Finnish European, 0.00017%; no homozygotes.

Submission:

Labcorp Genetics (formerly Invitae), Labcorp
Classification: Uncertain significance. Last evaluated: 2022-08-25. Review status: criteria provided, single submitter. Criteria: Invitae Variant Classification Sherloc (09022015). Collection method: clinical testing. Allele origin: germline.
Comment: This sequence change falls in intron 10 of the ARHGAP31 gene. It does not directly change the encoded amino acid sequence of the ARHGAP31 protein. It affects a nucleotide within the consensus splice site. This variant is not present in population databases (gnomAD no frequency). This variant has not been reported in the literature in individuals affected with ARHGAP31-related conditions. Variants that disrupt the consensus splice site are a relatively common cause of aberrant splicing (PMID: 17576681, 9536098). Algorithms developed to predict the effect of sequence changes on RNA splicing suggest that this variant is not likely to affect RNA splicing. In summary, the available evidence is currently insufficient to determine the role of this variant in disease. Therefore, it has been classified as a Variant of Uncertain Significance.

Literature cited by the submitters: PubMed 17576681; PubMed 9536098.

NM_020754.4(ARHGAP31):c.1645+6T>C

Gene: ARHGAP31 (Rho GTPase activating protein 31; plus strand). Cytogenetic location: 3q13.33.
Variant type: single nucleotide variant.
Coding change: c.1645+6T>C on transcript NM_020754.4 (MANE Select); 6 bases into the intron after coding-DNA position 1645, T replaced by C.
Molecular consequence: intron variant.
Genome position (GRCh38, 1-based): chr3:119,402,403, T>C. VCF-style: chr3-119402403-T-C. GRCh37 (hg19) VCF-style: chr3-119121250-T-C.
Identifiers: ClinVar variation 2108886 (VCV002108886.4), dbSNP rs1559994162, ClinGen allele CA1396543800.